The following is an entry in ClinVar:

NM_014284.3(NCDN):c.757G>A (p.Val253Met)

Gene: NCDN (neurochondrin; plus strand). Cytogenetic location: 1p34.3.
Variant type: single nucleotide variant.
Coding change: c.757G>A on transcript NM_014284.3 (MANE Select); coding-DNA position 757, G replaced by A.
Protein change: p.Val253Met; replaces valine 253 with methionine.
Molecular consequence: missense variant.
Genome position (GRCh38, 1-based): chr1:35,560,908, G>A. VCF-style: chr1-35560908-G-A. GRCh37 (hg19) VCF-style: chr1-36026509-G-A.
Other names: c.757G>A, p.Val253Met (NM_001014839.2); c.706G>A, p.Val236Met (NM_001014841.2); c.757G>A (NM_001014839.1); short protein forms V236M, V253M.
Identifiers: ClinVar variation 3181968 (VCV003181968.2), dbSNP rs138767615, ClinGen allele CA760156.

ClinVar aggregate classification (germline): Conflicting classifications of pathogenicity. Review status: criteria provided, conflicting classifications (1 of 4 stars). 2 submissions from 2 submitters: Uncertain significance (1); Benign (1). Last evaluated 2025-01-10.

Conditions:
NCDN-related disorder. Also called: NCDN-related condition.

Allele frequency attached by ClinVar (database versions not stated): ESP Exome Variant Server 0.00038.

Submissions (2):

PreventionGenetics, part of Exact Sciences
Classification: Benign for NCDN-related condition. Last evaluated: 2025-01-10. Review status: criteria provided, single submitter. Criteria: ACMG Guidelines, 2015. Collection method: clinical testing. Allele origin: germline.
Comment: This variant is classified as benign based on ACMG/AMP sequence variant interpretation guidelines (Richards et al. 2015 PMID: 25741868, with internal and published modifications).

Ambry Genetics
Classification: Uncertain significance. Last evaluated: 2021-06-18. Review status: criteria provided, single submitter. Criteria: Ambry Variant Classification Scheme 2023. Collection method: clinical testing. Allele origin: germline.